The following is an entry in ClinVar:

NM_206933.4(USH2A):c.11987C>G (p.Ser3996Cys)

Gene: USH2A (usherin; minus strand). Cytogenetic location: 1q41.
Variant type: single nucleotide variant.
Coding change: c.11987C>G on transcript NM_206933.4 (MANE Select); coding-DNA position 11987, C replaced by G.
Protein change: p.Ser3996Cys; replaces serine 3996 with cysteine.
Molecular consequence: missense variant.
Genome position (GRCh38, 1-based): chr1:215,728,109, G>C on the plus strand (C>G on the coding strand, the complement: USH2A is on the minus strand). VCF-style: chr1-215728109-G-C. GRCh37 (hg19) VCF-style: chr1-215901451-G-C.
Other names: short protein forms S3996C.
Identifiers: ClinVar variation 1449838 (VCV001449838.3), dbSNP rs772463134, ClinGen allele CA344827149.

ClinVar aggregate classification (germline): Uncertain significance (1 of 4 stars; one submission).

Allele frequency attached by ClinVar (database versions not stated): TOPMed 0.00005.

Submission:

Labcorp Genetics (formerly Invitae), Labcorp
Classification: Uncertain significance. Last evaluated: 2021-11-05. Review status: criteria provided, single submitter. Criteria: Invitae Variant Classification Sherloc (09022015). Collection method: clinical testing. Allele origin: germline.
Comment: This sequence change replaces serine, which is neutral and polar, with cysteine, which is neutral and slightly polar, at codon 3996 of the USH2A protein (p.Ser3996Cys). This variant is not present in population databases (gnomAD no frequency). This variant has not been reported in the literature in individuals affected with USH2A-related conditions. Algorithms developed to predict the effect of missense changes on protein structure and function are either unavailable or do not agree on the potential impact of this missense change (SIFT: "Deleterious"; PolyPhen-2: "Probably Damaging"; Align-GVGD: "Class C0"). In summary, the available evidence is currently insufficient to determine the role of this variant in disease. Therefore, it has been classified as a Variant of Uncertain Significance.